The following is an entry in ClinVar:

ClinVar aggregate classification (germline): Uncertain significance (1 of 4 stars; one submission).

gnomAD v4.1: 74 of 1,613,842 alleles (0.0046%); highest among the groups gnomAD compares: Middle Eastern, 0.016%; no homozygotes.

Submission:

Labcorp Genetics (formerly Invitae), Labcorp
Classification: Uncertain significance. Last evaluated: 2022-07-09. Review status: criteria provided, single submitter. Criteria: Invitae Variant Classification Sherloc (09022015). Collection method: clinical testing. Allele origin: germline.
Comment: This sequence change affects codon 449 of the TNS2 mRNA. It is a 'silent' change, meaning that it does not change the encoded amino acid sequence of the TNS2 protein. This variant is present in population databases (rs200073547, gnomAD 0.006%). This variant has not been reported in the literature in individuals affected with TNS2-related conditions. Algorithms developed to predict the effect of sequence changes on RNA splicing suggest that this variant may create or strengthen a splice site. In summary, the available evidence is currently insufficient to determine the role of this variant in disease. Therefore, it has been classified as a Variant of Uncertain Significance.

NM_170754.4(TNS2):c.1317G>A (p.Ser439=)

Gene: TNS2 (tensin 2; plus strand). Cytogenetic location: 12q13.13.
Variant type: single nucleotide variant.
Coding change: c.1317G>A on transcript NM_170754.4 (MANE Select); coding-DNA position 1317, G replaced by A.
Protein change: p.Ser439=; no amino-acid change (serine 439 retained).
Molecular consequence: synonymous variant.
Genome position (GRCh38, 1-based): chr12:53,058,739, G>A. VCF-style: chr12-53058739-G-A. GRCh37 (hg19) VCF-style: chr12-53452523-G-A.
Other names: c.1317G>A, p.Ser439= (NM_001416202.1, NM_001416204.1); c.1248G>A, p.Ser416= (NM_001416203.1, NM_015319.3); c.945G>A, p.Ser315= (NM_198316.2).
Identifiers: ClinVar variation 2044987 (VCV002044987.4), dbSNP rs200073547, ClinGen allele CA6592291.
Genomic context (GRCh38, chr12:53,058,739, plus strand): 5'-CCCCTGCTCCCCAATACCCGAGTGGCCTTCCACAGGCAGCACTCCACGGAACGACCCCTC[G>A]GTCTCTGTCGACTACAACACCACTGAGCCAGCCGTGCGCTGGGACTCCTATGAGAACTTC-3'
Protein context (NP_736610.2, residues 429-449): IKGSTPRNDP[Ser439=]VSVDYNTTEP